The following is an entry in ClinVar:

ClinVar aggregate classification (germline): Uncertain significance. Review status: criteria provided, multiple submitters, no conflicts (2 of 4 stars). 4 submissions from 4 submitters: Uncertain significance (4). Last evaluated 2026-09-14.

Conditions:
Hereditary cancer-predisposing syndrome. Also called: Hereditary Cancer Syndrome; Neoplastic Syndromes, Hereditary; Tumor predisposition; Hereditary neoplastic syndrome. Identifiers: Orphanet 140162, MedGen C0027672, MeSH D009386, MONDO:0015356.
Hereditary nonpolyposis colorectal neoplasms. Identifiers: MedGen C0009405, MeSH D003123.
Hereditary breast ovarian cancer syndrome. Also called: Hereditary breast and ovarian cancer; Hereditary breast and ovarian cancer syndrome; Hereditary breast and ovarian cancer syndrome (HBOC); Breast and ovarian cancer; Hereditary breast and/or ovarian cancer syndrome; BRCA1- and BRCA2-Associated Hereditary Breast and Ovarian Cancer. Identifiers: Orphanet 145, MedGen C0677776, MeSH D061325, MONDO:0003582. Disease mechanism: loss of function.

Submissions (4):

Ambry Genetics
Classification: Uncertain significance for Hereditary cancer-predisposing syndrome. Last evaluated: 2026-09-14. Review status: criteria provided, single submitter. Criteria: Ambry Variant Classification Scheme 2023. Collection method: clinical testing. Allele origin: germline.
Comment: The p.D380N variant (also known as c.1138G>A), located in coding exon 4 of the MSH6 gene, results from a G to A substitution at nucleotide position 1138. The aspartic acid at codon 380 is replaced by asparagine, an amino acid with highly similar properties. This amino acid position is highly conserved in available vertebrate species. In addition, the in silico prediction for this alteration is inconclusive. Based on the available evidence, the clinical significance of this variant remains unclear.

CeGaT Center for Human Genetics Tuebingen
Classification: Uncertain significance. Last evaluated: 2024-03-01. Review status: criteria provided, single submitter. Criteria: CeGaT Center For Human Genetics Tuebingen Variant Classification Criteria Version 2. Collection method: clinical testing. Allele origin: germline. Affected: yes. Observed: 1 variant allele.
Comment: MSH6: PM2, BP1

Labcorp Genetics (formerly Invitae), Labcorp
Classification: Uncertain significance for Hereditary nonpolyposis colorectal neoplasms. Last evaluated: 2021-01-18. Review status: criteria provided, single submitter. Criteria: Invitae Variant Classification Sherloc (09022015). Collection method: clinical testing. Allele origin: germline.
Comment: This sequence change replaces aspartic acid with asparagine at codon 380 of the MSH6 protein (p.Asp380Asn). The aspartic acid residue is highly conserved and there is a small physicochemical difference between aspartic acid and asparagine. This variant is not present in population databases (ExAC no frequency). In summary, the available evidence is currently insufficient to determine the role of this variant in disease. Therefore, it has been classified as a Variant of Uncertain Significance. Advanced modeling of protein sequence and biophysical properties (such as structural, functional, and spatial information, amino acid conservation, physicochemical variation, residue mobility, and thermodynamic stability) performed at Invitae indicates that this missense variant is expected to disrupt MSH6 protein function. This variant has not been reported in the literature in individuals with MSH6-related conditions. ClinVar contains an entry for this variant (Variation ID: 830252).

Cancer Genomics Group, Japanese Foundation For Cancer Research
Classification: Uncertain significance for Hereditary breast and ovarian cancer syndrome. Last evaluated: 2019-05-01. Review status: criteria provided, single submitter. Criteria: ACMG Guidelines, 2015. Collection method: research. Allele origin: germline. Affected: yes.

NM_000179.3(MSH6):c.1138G>A (p.Asp380Asn)

Gene: MSH6 (mutS homolog 6; plus strand). Cytogenetic location: 2p16.3.
Variant type: single nucleotide variant.
Coding change: c.1138G>A on transcript NM_000179.3 (MANE Select); coding-DNA position 1138, G replaced by A.
Protein change: p.Asp380Asn; replaces aspartic acid 380 with asparagine.
Molecular consequence: missense variant.
Genome position (GRCh38, 1-based): chr2:47,799,121, G>A. VCF-style: chr2-47799121-G-A. GRCh37 (hg19) VCF-style: chr2-48026260-G-A.
Other names: c.748G>A, p.Asp250Asn (NM_001281492.2); c.232G>A, p.Asp78Asn (NM_001281493.2, NM_001281494.2); c.1138G>A (NM_000179.2); short protein forms D250N, D380N, D78N.
Identifiers: ClinVar variation 830252 (VCV000830252.32), dbSNP rs1064793521, ClinGen allele CA346742130.
Genomic context (GRCh38, chr2:47,799,121, plus strand): 5'-AGTCGCCCTACTGTTTGGTATCATGAAACTTTAGAATGGCTTAAGGAGGAAAAGAGAAGA[G>A]ATGAGCACAGGAGGAGGCCTGATCACCCCGATTTTGATGCATCTACACTCTATGTGCCTG-3'
Protein context (NP_000170.1, residues 370-390): LEWLKEEKRR[Asp380Asn]EHRRRPDHPD